The following is an entry in ClinVar:

ClinVar aggregate classification (germline): Pathogenic. Review status: criteria provided, single submitter (1 of 4 stars). 2 submissions from 2 submitters: Pathogenic (1). 1 of the submissions does not count toward it. Last evaluated 2024-10-21.

Conditions:
Glycine encephalopathy. Also called: Nonketotic hyperglycinemia; Non-ketotic hyperglycinemia. Identifiers: Orphanet 407, MedGen C0751748, MONDO:0011612, HP:0008288.

gnomAD v4.1: 2 of 1,613,292 alleles (0.00012%); highest among the groups gnomAD compares: Non-Finnish European, 0.00017%; no homozygotes.

Submissions (2):

Labcorp Genetics (formerly Invitae), Labcorp
Classification: Pathogenic for Glycine encephalopathy. Last evaluated: 2024-10-21. Review status: criteria provided, single submitter. Criteria: Invitae Variant Classification Sherloc (09022015). Collection method: clinical testing. Allele origin: germline.
Comment: This sequence change replaces alanine, which is neutral and non-polar, with valine, which is neutral and non-polar, at codon 202 of the GLDC protein (p.Ala202Val). This variant is not present in population databases (gnomAD no frequency). This missense change has been observed in individual(s) with non-ketotic hyperglycinemia (PMID: 21411353, 25231368). ClinVar contains an entry for this variant (Variation ID: 56101). Invitae Evidence Modeling of protein sequence and biophysical properties (such as structural, functional, and spatial information, amino acid conservation, physicochemical variation, residue mobility, and thermodynamic stability) indicates that this missense variant is expected to disrupt GLDC protein function with a positive predictive value of 95%. For these reasons, this variant has been classified as Pathogenic.

Juha Muilu Group; Institute for Molecular Medicine Finland (FIMM)
Classification: Likely pathogenic for Non-ketotic hyperglycinemia. Review status: no assertion criteria provided. Collection method: not provided. Allele origin: unknown. Not counted in ClinVar's aggregate classification.
Comment: FinDis database variant: This variant was not found or characterized by our laboratory, data were collected from public sources: see reference
ClinVar note: Converted during submission from probable-pathogenic to Likely pathogenic.

Literature cited by the submitters: PubMed 21411353 (cited by Labcorp Genetics (formerly Invitae), Labcorp); PubMed 25231368 (cited by Labcorp Genetics (formerly Invitae), Labcorp).

NM_000170.3(GLDC):c.605C>T (p.Ala202Val)

Gene: GLDC (glycine decarboxylase; minus strand). Cytogenetic location: 9p24.1.
Variant type: single nucleotide variant.
Coding change: c.605C>T on transcript NM_000170.3 (MANE Select); coding-DNA position 605, C replaced by T.
Protein change: p.Ala202Val; replaces alanine 202 with valine.
Molecular consequence: missense variant.
Genome position (GRCh38, 1-based): chr9:6,610,222, G>A on the plus strand (C>T on the coding strand, the complement: GLDC is on the minus strand). VCF-style: chr9-6610222-G-A. GRCh37 (hg19) VCF-style: chr9-6610222-G-A.
Other names: short protein forms A202V.
Identifiers: ClinVar variation 56101 (VCV000056101.4), dbSNP rs386833583, ClinGen allele CA263432.